The following is an entry in ClinVar:

NM_000245.4(MET):c.1594G>A (p.Ala532Thr)

Gene: MET (MET proto-oncogene, receptor tyrosine kinase; plus strand). Cytogenetic location: 7q31.2.
Variant type: single nucleotide variant.
Coding change: c.1594G>A on transcript NM_000245.4 (MANE Select); coding-DNA position 1594, G replaced by A.
Protein change: p.Ala532Thr; replaces alanine 532 with threonine.
Molecular consequence: missense variant.
Genome position (GRCh38, 1-based): chr7:116,740,918, G>A. VCF-style: chr7-116740918-G-A. GRCh37 (hg19) VCF-style: chr7-116380972-G-A.
Other names: c.1594G>A, p.Ala532Thr (NM_001127500.3, NM_001324401.3); c.304G>A, p.Ala102Thr (NM_001324402.2); short protein forms A532T, A102T.
Identifiers: ClinVar variation 844699 (VCV000844699.10), dbSNP rs1793421596, ClinGen allele CA368975349.
Genomic context (GRCh38, chr7:116,740,918, plus strand): 5'-AAGATCCCATTGAATGGCTTGGGCTGCAGACATTTCCAGTCCTGCAGTCAATGCCTCTCT[G>A]CCCCACCCTTTGTTCAGTGTGGCTGGTGCCACGACAAATGTGTGCGATCGGAGGAATGCC-3'
Protein context (NP_000236.2, residues 522-542): HFQSCSQCLS[Ala532Thr]PPFVQCGWCH

ClinVar aggregate classification (germline): Uncertain significance. Review status: criteria provided, multiple submitters, no conflicts (2 of 4 stars). 2 submissions from 2 submitters: Uncertain significance (2). Last evaluated 2022-12-07.

Conditions:
Renal cell carcinoma. Identifiers: Orphanet 217071, MedGen C0007134, MeSH D002292, MONDO:0005086, HP:0005584.
Hereditary cancer-predisposing syndrome. Also called: Tumor predisposition; Hereditary neoplastic syndrome; Neoplastic Syndromes, Hereditary; Hereditary Cancer Syndrome. Identifiers: Orphanet 140162, MedGen C0027672, MeSH D009386, MONDO:0015356.

Allele frequency attached by ClinVar (database versions not stated): gnomAD exomes below 0.00001.
gnomAD v4.1: 2 of 1,614,138 alleles (0.00012%); highest among the groups gnomAD compares: Admixed American, 0.0017%; no homozygotes.

Submissions (2):

Ambry Genetics
Classification: Uncertain significance for Hereditary cancer-predisposing syndrome. Last evaluated: 2022-12-07. Review status: criteria provided, single submitter. Criteria: Ambry Variant Classification Scheme 2023. Collection method: clinical testing. Allele origin: germline.
Comment: The p.A532T variant (also known as c.1594G>A), located in coding exon 4 of the MET gene, results from a G to A substitution at nucleotide position 1594. The alanine at codon 532 is replaced by threonine, an amino acid with similar properties. This amino acid position is conserved. In addition, this alteration is predicted to be tolerated by in silico analysis. Since supporting evidence is limited at this time, the clinical significance of this alteration remains unclear.

Labcorp Genetics (formerly Invitae), Labcorp
Classification: Uncertain significance for Renal cell carcinoma. Last evaluated: 2021-10-19. Review status: criteria provided, single submitter. Criteria: Invitae Variant Classification Sherloc (09022015). Collection method: clinical testing. Allele origin: germline.
Comment: This sequence change replaces alanine with threonine at codon 532 of the MET protein (p.Ala532Thr). The alanine residue is moderately conserved and there is a small physicochemical difference between alanine and threonine. In summary, the available evidence is currently insufficient to determine the role of this variant in disease. Therefore, it has been classified as a Variant of Uncertain Significance. Algorithms developed to predict the effect of missense changes on protein structure and function are either unavailable or do not agree on the potential impact of this missense change (SIFT: "Deleterious"; PolyPhen-2: "Possibly Damaging"; Align-GVGD: "Class C0"). This variant has not been reported in the literature in individuals affected with MET-related conditions. This variant is not present in population databases (ExAC no frequency).